The following is an entry in ClinVar:

NM_006922.4(SCN3A):c.2705A>C (p.Gln902Pro)

Gene: SCN3A (sodium voltage-gated channel alpha subunit 3; minus strand). Cytogenetic location: 2q24.3.
Variant type: single nucleotide variant.
Coding change: c.2705A>C on transcript NM_006922.4 (MANE Select); coding-DNA position 2705, A replaced by C.
Protein change: p.Gln902Pro; replaces glutamine 902 with proline.
Molecular consequence: missense variant.
Genome position (GRCh38, 1-based): chr2:165,130,157, T>G on the plus strand (A>C on the coding strand, the complement: SCN3A is on the minus strand). VCF-style: chr2-165130157-T-G. GRCh37 (hg19) VCF-style: chr2-165986667-T-G.
Other names: c.2558A>C, p.Gln853Pro (NM_001081676.2, NM_001081677.2); short protein forms Q853P, Q902P.
Identifiers: ClinVar variation 3392603 (VCV003392603.1).

ClinVar aggregate classification (germline): Uncertain significance (1 of 4 stars; one submission).

Submission:

GeneDx
Classification: Uncertain significance. Last evaluated: 2024-06-25. Review status: criteria provided, single submitter. Criteria: GeneDx Variant Classification Process June 2021. Collection method: clinical testing. Allele origin: germline. Affected: yes.
Comment: Not observed at significant frequency in large population cohorts (gnomAD); In silico analysis supports that this missense variant has a deleterious effect on protein structure/function; Has not been previously published as pathogenic or benign to our knowledge